The following is an entry in ClinVar:

NM_020247.5(COQ8A):c.319C>G (p.Leu107Val)

Gene: COQ8A (coenzyme Q8A; plus strand). Cytogenetic location: 1q42.13.
Variant type: single nucleotide variant.
Coding change: c.319C>G on transcript NM_020247.5 (MANE Select); coding-DNA position 319, C replaced by G.
Protein change: p.Leu107Val; replaces leucine 107 with valine.
Molecular consequence: missense variant.
Genome position (GRCh38, 1-based): chr1:226,965,141, C>G. VCF-style: chr1-226965141-C-G. GRCh37 (hg19) VCF-style: chr1-227152842-C-G.
Other names: short protein forms L107V.
Identifiers: ClinVar variation 1945836 (VCV001945836.2), dbSNP rs556900094, ClinGen allele CA345050111.

ClinVar aggregate classification (germline): Uncertain significance (1 of 4 stars; one submission).

Submission:

Labcorp Genetics (formerly Invitae), Labcorp
Classification: Uncertain significance. Last evaluated: 2022-08-17. Review status: criteria provided, single submitter. Criteria: Invitae Variant Classification Sherloc (09022015). Collection method: clinical testing. Allele origin: germline.
Comment: This sequence change replaces leucine, which is neutral and non-polar, with valine, which is neutral and non-polar, at codon 107 of the COQ8A protein (p.Leu107Val). This variant is not present in population databases (gnomAD no frequency). This variant has not been reported in the literature in individuals affected with COQ8A-related conditions. Advanced modeling of protein sequence and biophysical properties (such as structural, functional, and spatial information, amino acid conservation, physicochemical variation, residue mobility, and thermodynamic stability) performed at Invitae indicates that this missense variant is not expected to disrupt COQ8A protein function. In summary, the available evidence is currently insufficient to determine the role of this variant in disease. Therefore, it has been classified as a Variant of Uncertain Significance.